The following is an entry in ClinVar:

NM_001042492.3(NF1):c.8363C>T (p.Ser2788Phe)

Gene: NF1 (neurofibromin 1; plus strand). Cytogenetic location: 17q11.2.
Variant type: single nucleotide variant.
Coding change: c.8363C>T on transcript NM_001042492.3 (MANE Select); coding-DNA position 8363, C replaced by T.
Protein change: p.Ser2788Phe; replaces serine 2788 with phenylalanine.
Molecular consequence: missense variant.
Genome position (GRCh38, 1-based): chr17:31,360,689, C>T. VCF-style: chr17-31360689-C-T. GRCh37 (hg19) VCF-style: chr17-29687707-C-T.
Other names: c.8300C>T, p.Ser2767Phe (NM_000267.4); short protein forms S2767F, S2788F.
Identifiers: ClinVar variation 573427 (VCV000573427.11), dbSNP rs1567628713, ClinGen allele CA399205099.

ClinVar aggregate classification (germline): Uncertain significance. Review status: criteria provided, multiple submitters, no conflicts (2 of 4 stars). 3 submissions from 3 submitters: Uncertain significance (3). Last evaluated 2025-09-12.

Conditions:
Neurofibromatosis, type 1 (NF1). Also called: Peripheral type neurofibromatosis; VON RECKLINGHAUSEN DISEASE; Neurofibromatosis, type I; NEUROFIBROMATOSIS, TYPE I, SOMATIC. Identifiers: Orphanet 636, MedGen C0027831, MONDO:0018975, OMIM 162200. Disease mechanism: loss of function.
Cardiovascular phenotype. Identifiers: MedGen CN230736.
Hereditary cancer-predisposing syndrome. Also called: Hereditary neoplastic syndrome; Neoplastic Syndromes, Hereditary; Hereditary Cancer Syndrome; Tumor predisposition. Identifiers: Orphanet 140162, MedGen C0027672, MeSH D009386, MONDO:0015356.
Juvenile myelomonocytic leukemia (JMML). Also called: LEUKEMIA, JUVENILE MYELOMONOCYTIC, SOMATIC. Identifiers: Orphanet 86834, MedGen C0349639, MONDO:0011908, OMIM 607785, HP:0012209.

Submissions (3):

Labcorp Genetics (formerly Invitae), Labcorp
Classification: Uncertain significance for Neurofibromatosis, type 1. Last evaluated: 2025-09-12. Review status: criteria provided, single submitter. Criteria: Invitae Variant Classification Sherloc (09022015). Collection method: clinical testing. Allele origin: germline.
Comment: This sequence change replaces serine, which is neutral and polar, with phenylalanine, which is neutral and non-polar, at codon 2767 of the NF1 protein (p.Ser2767Phe). This variant is not present in population databases (gnomAD no frequency). This variant has not been reported in the literature in individuals affected with NF1-related conditions. ClinVar contains an entry for this variant (Variation ID: 573427). Invitae Evidence Modeling of protein sequence and biophysical properties (such as structural, functional, and spatial information, amino acid conservation, physicochemical variation, residue mobility, and thermodynamic stability) has been performed for this missense variant. However, the output from this modeling did not meet the statistical confidence thresholds required to predict the impact of this variant on NF1 protein function. In summary, the available evidence is currently insufficient to determine the role of this variant in disease. Therefore, it has been classified as a Variant of Uncertain Significance.

Baylor Genetics
Classification: Uncertain significance for Juvenile myelomonocytic leukemia. Last evaluated: 2023-05-05. Review status: criteria provided, single submitter. Criteria: ACMG Guidelines, 2015. Collection method: clinical testing. Allele origin: unknown.

Ambry Genetics
Classification: Uncertain significance for Cardiovascular phenotype; Hereditary cancer-predisposing syndrome. Last evaluated: 2022-02-12. Review status: criteria provided, single submitter. Criteria: Ambry Variant Classification Scheme 2023. Collection method: clinical testing. Allele origin: germline.
Comment: The p.S2767F variant (also known as c.8300C>T), located in coding exon 56 of the NF1 gene, results from a C to T substitution at nucleotide position 8300. The serine at codon 2767 is replaced by phenylalanine, an amino acid with highly dissimilar properties. This amino acid position is conserved. In addition, the in silico prediction for this alteration is inconclusive. Since supporting evidence is limited at this time, the clinical significance of this alteration remains unclear.